The following is an entry in ClinVar:

ClinVar aggregate classification (germline): Pathogenic (1 of 4 stars; one submission).

Conditions:
Neurofibromatosis, type 1 (NF1). Also called: Peripheral type neurofibromatosis; Neurofibromatosis, type I; VON RECKLINGHAUSEN DISEASE; NEUROFIBROMATOSIS, TYPE I, SOMATIC. Identifiers: Orphanet 636, MedGen C0027831, MONDO:0018975, OMIM 162200. Disease mechanism: loss of function.

Submission:

Labcorp Genetics (formerly Invitae), Labcorp
Classification: Pathogenic for Neurofibromatosis, type 1. Last evaluated: 2019-09-10. Review status: criteria provided, single submitter. Criteria: Invitae Variant Classification Sherloc (09022015). Collection method: clinical testing. Allele origin: germline.
Comment: This sequence change creates a premature translational stop signal (p.Leu1196Cysfs*7) in the NF1 gene. It is expected to result in an absent or disrupted protein product. For these reasons, this variant has been classified as Pathogenic. Loss-of-function variants in NF1 are known to be pathogenic (PMID: 10712197, 23913538). This variant has not been reported in the literature in individuals with NF1-related conditions. This variant is not present in population databases (ExAC no frequency).

Literature cited by the submitters: PubMed 10712197; PubMed 23913538.

NM_001042492.3(NF1):c.3585_3586del (p.Leu1196fs)

Gene: NF1 (neurofibromin 1; plus strand). Cytogenetic location: 17q11.2.
Variant type: Microsatellite.
Coding change: c.3585_3586del on transcript NM_001042492.3 (MANE Select); coding-DNA positions 3585 to 3586, 2 bases deleted (AC; older notation c.3585_3586delAC).
Protein change: p.Leu1196fs; shifts the reading frame from leucine 1196.
Molecular consequence: frameshift variant.
Genome position (GRCh38, 1-based): chr17:31,233,090-31,233,091, AC deleted; deleting any 2 consecutive bases within chr17:31,233,086-31,233,091 gives the same sequence; the c. name uses the placement nearest the transcript's 3' end. VCF-style (leftmost placement, unchanged base first): chr17-31233085-GAC-G. GRCh37 (hg19) VCF-style: chr17-29560103-GAC-G.
Other names: c.3581_3582AC[2], p.Leu1196Cysfs (NM_000267.4); short protein forms L1196fs.
Identifiers: ClinVar variation 942380 (VCV000942380.6), dbSNP rs2067142764, ClinGen allele CA2255570528.